The following is an entry in ClinVar:

ClinVar aggregate classification (germline): Uncertain significance. Review status: criteria provided, multiple submitters, no conflicts (2 of 4 stars). 2 submissions from 2 submitters: Uncertain significance (2). Last evaluated 2025-11-24.

Conditions:
Hereditary cancer-predisposing syndrome. Also called: Neoplastic Syndromes, Hereditary; Tumor predisposition; Hereditary neoplastic syndrome; Hereditary Cancer Syndrome. Identifiers: Orphanet 140162, MedGen C0027672, MeSH D009386, MONDO:0015356.
Multiple endocrine neoplasia, type 2 (MEN2). Identifiers: Orphanet 653, MedGen C4048306, MONDO:0019003. Disease mechanism: gain of function.

Submissions (2):

Ambry Genetics
Classification: Uncertain significance for Hereditary cancer-predisposing syndrome. Last evaluated: 2025-11-24. Review status: criteria provided, single submitter. Criteria: Ambry Variant Classification Scheme 2023. Collection method: clinical testing. Allele origin: germline.
Comment: The p.T278S variant (also known as c.833C>G), located in coding exon 4 of the RET gene, results from a C to G substitution at nucleotide position 833. The threonine at codon 278 is replaced by serine, an amino acid with similar properties. This amino acid position is highly conserved in available vertebrate species. In addition, this alteration is predicted to be tolerated by in silico analysis. Based on the available evidence, the clinical significance of this variant remains unclear.

Labcorp Genetics (formerly Invitae), Labcorp
Classification: Uncertain significance for Multiple endocrine neoplasia, type 2. Last evaluated: 2025-06-11. Review status: criteria provided, single submitter. Criteria: Invitae Variant Classification Sherloc (09022015). Collection method: clinical testing. Allele origin: germline.
Comment: This sequence change replaces threonine, which is neutral and polar, with serine, which is neutral and polar, at codon 278 of the RET protein (p.Thr278Ser). This variant is not present in population databases (gnomAD no frequency). This variant has not been reported in the literature in individuals affected with RET-related conditions. ClinVar contains an entry for this variant (Variation ID: 2719573). An algorithm developed to predict the effect of missense changes on protein structure and function outputs the following: PolyPhen-2: "Benign". The serine amino acid residue is found in multiple mammalian species, which suggests that this missense change does not adversely affect protein function. In summary, the available evidence is currently insufficient to determine the role of this variant in disease. Therefore, it has been classified as a Variant of Uncertain Significance.

NM_020975.6(RET):c.833C>G (p.Thr278Ser)

Gene: RET (ret proto-oncogene; plus strand). Cytogenetic location: 10q11.21.
Variant type: single nucleotide variant.
Coding change: c.833C>G on transcript NM_020975.6 (MANE Select); coding-DNA position 833, C replaced by G.
Protein change: p.Thr278Ser; replaces threonine 278 with serine.
Molecular consequence: missense variant. On other transcripts: intron variant (22).
Genome position (GRCh38, 1-based): chr10:43,105,159, C>G. VCF-style: chr10-43105159-C-G. GRCh37 (hg19) VCF-style: chr10-43600607-C-G.
Other names: c.833C>G, p.Thr278Ser (NM_000323.2, NM_001406743.1, NM_001406744.1 and 8 more transcripts); c.71C>G, p.Thr24Ser (NM_001355216.2); c.704C>G, p.Thr235Ser (NM_001406761.1, NM_001406762.1, NM_001406764.1 and 2 more transcripts); c.545C>G, p.Thr182Ser (NM_001406766.1, NM_001406767.1, NM_001406770.1); c.625+2530C>G (NM_001406773.1, NM_001406771.1, NM_001406782.1 and 5 more transcripts); c.496+2530C>G (NM_001406786.1, NM_001406783.1); c.338-3872C>G (NM_001406778.1, NM_001406775.1, NM_001406776.1 and 1 more transcripts); c.337+4437C>G (NM_001406790.1, NM_001406788.1, NM_001406789.1 and 1 more transcripts); and 2 more; short protein forms T235S, T24S, T182S, T278S.
Identifiers: ClinVar variation 2719573 (VCV002719573.4), dbSNP rs35118262, ClinGen allele CA376545265.
Genomic context (GRCh38, chr10:43,105,159, plus strand): 5'-TCCCGGTGACCGTGTACGACGAGGACGACTCGGCGCCCACCTTCCCCGCGGGCGTCGACA[C>G]CGCCAGCGCCGTGGTGGAGTTCAAGCGGAAGGAGGTGCTTGTCCGCGCGTGCTGTGGTCT-3'
Protein context (NP_066124.1, residues 268-288): SAPTFPAGVD[Thr278Ser]ASAVVEFKRK